The following is an entry in ClinVar:

ClinVar aggregate classification (germline): Likely benign (1 of 4 stars; one submission).

Submission:

CeGaT Center for Human Genetics Tuebingen
Classification: Likely benign. Last evaluated: 2026-09-01. Review status: criteria provided, single submitter. Criteria: CeGaT Center For Human Genetics Tuebingen Variant Classification Criteria Version 2. Collection method: clinical testing. Allele origin: germline. Affected: yes. Observed: 3 variant alleles.
Comment: KCNQ1OT1: BS1

NM_000218.3(KCNQ1):c.1394-5184dup

Genes: KCNQ1 (potassium voltage-gated channel subfamily Q member 1; plus strand), KCNQ1OT1 (KCNQ1 opposite strand/antisense transcript 1; minus strand). Cytogenetic location: 11p15.5.
Variant type: Duplication.
Coding change: c.1394-5184dup on transcript NM_000218.3 (MANE Select); 5184 bases into the intron before coding-DNA position 1394, one base duplicated (A; older notation c.1394-5184dupA).
Molecular consequence: intron variant. On other transcripts: non-coding transcript variant (1).
Genome position (GRCh38, 1-based): chr11:2,656,777, A duplicated; the last of 8 consecutive A bases (chr11:2,656,770-2,656,777); duplicating any one gives the same sequence. VCF-style (leftmost placement, unchanged base first): chr11-2656769-T-TA. GRCh37 (hg19) VCF-style: chr11-2677999-T-TA.
Other names: c.1124-5184dup (NM_001406837.1); c.1298-5184dup (NM_001406836.1); c.854-5184dup (NM_001406838.1); c.1013-5184dup (NM_181798.2).
Identifiers: ClinVar variation 4873904 (VCV004873904.2).